The following is an entry in ClinVar:

ClinVar aggregate classification (germline): Likely benign. Review status: criteria provided, single submitter (1 of 4 stars). 2 submissions from 2 submitters: Likely benign (1). 1 of the submissions does not count toward it. Last evaluated 2023-11-27.

Conditions:
KIAA0586-related disorder. Also called: KIAA0586- Related disorders; KIAA0586-related condition.
Joubert syndrome 23 (JBTS23). Identifiers: Orphanet 475, MedGen C4084822, MONDO:0014664, OMIM 616490.
Short-rib thoracic dysplasia 14 with polydactyly (SRTD14). Identifiers: Orphanet 397715, MedGen C4225286, MONDO:0014688, OMIM 616546.

Allele frequency attached by ClinVar (database versions not stated): gnomAD exomes below 0.00001; ExAC 0.00004.
gnomAD v4.1: 5 of 1,550,846 alleles (0.00032%); highest among the groups gnomAD compares: Non-Finnish European, 0.00044%; no homozygotes.

Submissions (2):

Labcorp Genetics (formerly Invitae), Labcorp
Classification: Likely benign for Joubert syndrome 23; Short-rib thoracic dysplasia 14 with polydactyly. Last evaluated: 2023-11-27. Review status: criteria provided, single submitter. Criteria: Invitae Variant Classification Sherloc (09022015). Collection method: clinical testing. Allele origin: germline.

PreventionGenetics, part of Exact Sciences
Classification: Likely benign for KIAA0586-related condition. Last evaluated: 2021-03-23. Review status: no assertion criteria provided. Collection method: clinical testing. Allele origin: germline. Not counted in ClinVar's aggregate classification.
Comment: This variant is classified as likely benign based on ACMG/AMP sequence variant interpretation guidelines (Richards et al. 2015 PMID: 25741868, with internal and published modifications).

NM_001329943.3(KIAA0586):c.3966C>T (p.Ser1322=)

Gene: KIAA0586 (KIAA0586; plus strand). Cytogenetic location: 14q23.1.
Variant type: single nucleotide variant.
Coding change: c.3966C>T on transcript NM_001329943.3 (MANE Select); coding-DNA position 3966, C replaced by T.
Protein change: p.Ser1322=; no amino-acid change (serine 1322 retained).
Molecular consequence: synonymous variant. On other transcripts: intron variant (1).
Genome position (GRCh38, 1-based): chr14:58,492,251, C>T. VCF-style: chr14-58492251-C-T. GRCh37 (hg19) VCF-style: chr14-58958969-C-T.
Other names: c.4125C>T, p.Ser1375= (NM_001244189.2); c.3921C>T, p.Ser1307= (NM_001244190.2); c.3711C>T, p.Ser1237= (NM_001244191.2, NM_001329945.2, NM_001364700.1 and 1 more transcripts); c.3834C>T, p.Ser1278= (NM_001244192.2); c.3546C>T, p.Ser1182= (NM_001244193.2); c.3966C>T, p.Ser1322= (NM_001329944.2, NM_001329946.2); c.3738C>T, p.Ser1246= (NM_014749.5); c.3858+2011C>T (NM_001329947.2).
Identifiers: ClinVar variation 761469 (VCV000761469.8), dbSNP rs757393939, ClinGen allele CA7206290.
Genomic context (GRCh38, chr14:58,492,251, plus strand): 5'-AAAATTTCATGCAGATGCAATTCTTTCTTTTGCTAAACAAAACCAGGAGTCAGCAGTTTC[C>T]CAGCAAGCAGTCTATCATTCAGAGGTACTTTTTAACTTTAATGACTTTTTTTTGGTTAGA-3'
Protein context (NP_001316872.1, residues 1312-1332): FAKQNQESAV[Ser1322=]QQAVYHSEDL